The following is an entry in ClinVar:

ClinVar aggregate classification (germline): Uncertain significance (1 of 4 stars; one submission).

Submission:

Labcorp Genetics (formerly Invitae), Labcorp
Classification: Uncertain significance. Last evaluated: 2024-03-13. Review status: criteria provided, single submitter. Criteria: Invitae Variant Classification Sherloc (09022015). Collection method: clinical testing. Allele origin: germline.
Comment: This sequence change replaces arginine, which is basic and polar, with serine, which is neutral and polar, at codon 394 of the SCN3A protein (p.Arg394Ser). This variant is not present in population databases (gnomAD no frequency). This variant has not been reported in the literature in individuals affected with SCN3A-related conditions. Advanced modeling of protein sequence and biophysical properties (such as structural, functional, and spatial information, amino acid conservation, physicochemical variation, residue mobility, and thermodynamic stability) has been performed at Invitae for this missense variant, however the output from this modeling did not meet the statistical confidence thresholds required to predict the impact of this variant on SCN3A protein function. In summary, the available evidence is currently insufficient to determine the role of this variant in disease. Therefore, it has been classified as a Variant of Uncertain Significance.

NM_006922.4(SCN3A):c.1180C>A (p.Arg394Ser)

Gene: SCN3A (sodium voltage-gated channel alpha subunit 3; minus strand). Cytogenetic location: 2q24.3.
Variant type: single nucleotide variant.
Coding change: c.1180C>A on transcript NM_006922.4 (MANE Select); coding-DNA position 1180, C replaced by A.
Protein change: p.Arg394Ser; replaces arginine 394 with serine.
Molecular consequence: missense variant.
Genome position (GRCh38, 1-based): chr2:165,154,652, G>T on the plus strand (C>A on the coding strand, the complement: SCN3A is on the minus strand). VCF-style: chr2-165154652-G-T. GRCh37 (hg19) VCF-style: chr2-166011162-G-T.
Other names: c.1180C>A, p.Arg394Ser (NM_001081676.2, NM_001081677.2); short protein forms R394S.
Identifiers: ClinVar variation 3645755 (VCV003645755.2).
Genomic context (GRCh38, chr2:165,154,652, plus strand): 5'-AAAATGAGCCCAAGAAAATGACCAGGACAAAAAATATCATGTATGTTTTCCCAGCAGCAC[G>T]TAATGTCTAGGGGAAATGGGGGATAATTCCATCAGTATTTTAGTATAATGTCCCCAAATA-3'
Protein context (NP_008853.3, residues 384-404): YWENLYQLTL[Arg394Ser]AAGKTYMIFF